The following is an entry in ClinVar:

NM_032608.7(MYO18B):c.7278G>T (p.Trp2426Cys)

Gene: MYO18B (myosin XVIIIB; plus strand). Cytogenetic location: 22q12.1.
Variant type: single nucleotide variant.
Coding change: c.7278G>T on transcript NM_032608.7 (MANE Select); coding-DNA position 7278, G replaced by T.
Protein change: p.Trp2426Cys; replaces tryptophan 2426 with cysteine.
Molecular consequence: missense variant.
Genome position (GRCh38, 1-based): chr22:26,027,252, G>T. VCF-style: chr22-26027252-G-T. GRCh37 (hg19) VCF-style: chr22-26423218-G-T.
Other names: c.7281G>T, p.Trp2427Cys (NM_001318245.2); short protein forms W2427C, W2426C.
Identifiers: ClinVar variation 377118 (VCV000377118.3), dbSNP rs1057520138, ClinGen allele CA16603274.

ClinVar aggregate classification (germline): Uncertain significance (1 of 4 stars; one submission).

Allele frequency attached by ClinVar (database versions not stated): gnomAD exomes below 0.00001; gnomAD 0.00001; TOPMed 0.00001.
gnomAD v4.1: 4 of 1,613,860 alleles (0.00025%); highest among the groups gnomAD compares: Non-Finnish European, 0.00034%; no homozygotes.

Submission:

Center for Pediatric Genomic Medicine, Children's Mercy Hospital and Clinics
Classification: Uncertain significance. Last evaluated: 2016-09-08. Review status: criteria provided, single submitter. Criteria: ACMG Guidelines, 2015. Collection method: clinical testing. Allele origin: germline.
ClinVar note: Converted during submission from Uncertain Significance to Uncertain significance.